The following is an entry in ClinVar:

ClinVar aggregate classification (germline): Benign (1 of 4 stars; one submission).

Conditions:
Oligodontia-cancer predisposition syndrome. Also called: TOOTH AGENESIS-COLORECTAL CANCER SYNDROME. Identifiers: Orphanet 300576, MedGen C1837750, MONDO:0012075, OMIM 608615. Disease mechanism: loss of function.

Submission:

Myriad Genetics, Inc.
Classification: Benign for Oligodontia-cancer predisposition syndrome. Last evaluated: 2024-07-02. Review status: criteria provided, single submitter. Criteria: Myriad Autosomal Dominant, Autosomal Recessive and X-Linked Classification Criteria (2023). Collection method: clinical testing. Allele origin: unknown.
Comment: This variant is considered benign. This variant is a silent/synonymous amino acid change and it is not expected to impact splicing.

NM_004655.4(AXIN2):c.1365_1368delinsGGGT (p.Pro455_Gly456=)

Gene: AXIN2 (axin 2; minus strand). Cytogenetic location: 17q24.1.
Variant type: Indel.
Coding change: c.1365_1368delinsGGGT on transcript NM_004655.4 (MANE Select); coding-DNA positions 1365 to 1368, AGGC replaced by GGGT.
Protein change: p.Pro455_Gly456=.
Molecular consequence: synonymous variant.
Genome position (GRCh38, 1-based): chr17:65,537,668-65,537,671, GCCT replaced by ACCC on the plus strand (AGGC replaced by GGGT on the coding strand, the reverse complement: AXIN2 is on the minus strand). VCF-style: chr17-65537668-GCCT-ACCC. GRCh37 (hg19) VCF-style: chr17-63533786-GCCT-ACCC.
Other names: c.1365_1368delinsGGGT, p.Pro455_Gly456= (NM_001363813.1).
Identifiers: ClinVar variation 3378940 (VCV003378940.1).
Genomic context (GRCh38, chr17:65,537,668, plus strand): 5'-CTGCGAATGGTGGTGGTGGTGGTGGTCCGGGGAGCGGGAGCGGGGGCTATAGCGGCCTAC[GCCT>ACCC]GGAGACTGGCAGCCAGGGGTCTTGAGGACCCTGGACAGGTGATCGTCCAGTATCGTCTGC-3'